The following is an entry in ClinVar:

NM_001160372.4(TRAPPC9):c.1234G>T (p.Ala412Ser)

Gene: TRAPPC9 (trafficking protein particle complex subunit 9; minus strand). Cytogenetic location: 8q24.3.
Variant type: single nucleotide variant.
Coding change: c.1234G>T on transcript NM_001160372.4 (MANE Select); coding-DNA position 1234, G replaced by T.
Protein change: p.Ala412Ser; replaces alanine 412 with serine.
Molecular consequence: missense variant. On other transcripts: non-coding transcript variant (1).
Genome position (GRCh38, 1-based): chr8:140,371,081, C>A on the plus strand (G>T on the coding strand, the complement: TRAPPC9 is on the minus strand). VCF-style: chr8-140371081-C-A. GRCh37 (hg19) VCF-style: chr8-141381180-C-A.
Other names: c.1207G>T, p.Ala403Ser (NM_001321646.2); c.1255G>T, p.Ala419Ser (NM_001374682.1); c.1234G>T, p.Ala412Ser (NM_001374683.1, NM_001374684.1, NM_031466.8); c.1528G>T (NM_031466.7); short protein forms A403S, A412S, A419S.
Identifiers: ClinVar variation 1774562 (VCV001774562.7), dbSNP rs201836353, ClinGen allele CA4893508.

ClinVar aggregate classification (germline): Uncertain significance. Review status: criteria provided, multiple submitters, no conflicts (2 of 4 stars). 3 submissions from 3 submitters: Uncertain significance (3). Last evaluated 2022-03-24.

Conditions:
Inborn genetic diseases. Identifiers: MedGen C0950123, MeSH D030342.
Intellectual developmental disorder, autosomal recessive 13. Also called: Intellectual disability, autosomal recessive 13. Identifiers: Orphanet 88616, MedGen C2750791, MONDO:0013173, OMIM 613192.

Allele frequency attached by ClinVar (database versions not stated): TOPMed 0.00012; gnomAD 0.00016; ExAC 0.00008; ESP Exome Variant Server 0.00015.
gnomAD v4.1: 282 of 1,614,086 alleles (0.017%); highest among the groups gnomAD compares: Non-Finnish European, 0.023%; no homozygotes.

Submissions (3):

Labcorp Genetics (formerly Invitae), Labcorp
Classification: Uncertain significance. Last evaluated: 2022-03-24. Review status: criteria provided, single submitter. Criteria: Invitae Variant Classification Sherloc (09022015). Collection method: clinical testing. Allele origin: germline.
Comment: This sequence change replaces alanine, which is neutral and non-polar, with serine, which is neutral and polar, at codon 510 of the TRAPPC9 protein (p.Ala510Ser). This variant is present in population databases (rs201836353, gnomAD 0.02%). This variant has not been reported in the literature in individuals affected with TRAPPC9-related conditions. Algorithms developed to predict the effect of missense changes on protein structure and function are either unavailable or do not agree on the potential impact of this missense change (SIFT: "Not Available"; PolyPhen-2: "Probably Damaging"; Align-GVGD: "Not Available"). In summary, the available evidence is currently insufficient to determine the role of this variant in disease. Therefore, it has been classified as a Variant of Uncertain Significance.

Revvity Omics, Revvity
Classification: Uncertain significance for Intellectual developmental disorder, autosomal recessive 13. Last evaluated: 2021-12-16. Review status: criteria provided, single submitter. Criteria: ACMG Guidelines, 2015. Collection method: clinical testing. Allele origin: germline.

Ambry Genetics
Classification: Uncertain significance for Inborn genetic diseases. Last evaluated: 2021-02-22. Review status: criteria provided, single submitter. Criteria: Ambry Variant Classification Scheme 2023. Collection method: clinical testing. Allele origin: germline.
Comment: The c.1528G>T (p.A510S) alteration is located in exon 8 (coding exon 8) of the TRAPPC9 gene. This alteration results from a G to T substitution at nucleotide position 1528, causing the alanine (A) at amino acid position 510 to be replaced by a serine (S). The in silico prediction for the p.A510S alteration is inconclusive. Based on insufficient or conflicting evidence, the clinical significance of this alteration remains unclear.